The following is an entry in ClinVar:

NM_181882.3(PRX):c.381+23C>T

Gene: PRX (periaxin; minus strand). Cytogenetic location: 19q13.2.
Variant type: single nucleotide variant.
Coding change: c.381+23C>T on transcript NM_181882.3 (MANE Select); 23 bases into the intron after coding-DNA position 381, C replaced by T.
Molecular consequence: intron variant. On other transcripts: missense variant (1).
Genome position (GRCh38, 1-based): chr19:40,398,597, G>A on the plus strand (C>T on the coding strand, the complement: PRX is on the minus strand). VCF-style: chr19-40398597-G-A. GRCh37 (hg19) VCF-style: chr19-40904504-G-A.
Other names: c.404C>T, p.Pro135Leu (NM_020956.2); c.666+23C>T (NM_001411127.1); short protein forms P135L.
Identifiers: ClinVar variation 4986626 (VCV004986626.1).

ClinVar aggregate classification (germline): Uncertain significance (1 of 4 stars; one submission).

Conditions:
PRX-related disorder. Also called: PRX-related condition; PRX-Related Disorders.

Submission:

PreventionGenetics, part of Exact Sciences
Classification: Uncertain significance for PRX-related condition. Last evaluated: 2025-05-02. Review status: criteria provided, single submitter. Criteria: ACMG Guidelines, 2015. Collection method: clinical testing. Allele origin: germline.
Comment: The PRX c.404C>T variant is predicted to result in the amino acid substitution p.Pro135Leu. To our knowledge, this variant has not been reported in the literature or in a large population database (gnomAD), indicating this variant is rare. At this time, the clinical significance of this variant is uncertain due to the absence of conclusive functional and genetic evidence.